The following is an entry in ClinVar:

ClinVar aggregate classification (germline): Conflicting classifications of pathogenicity. Review status: criteria provided, conflicting classifications (1 of 4 stars). 2 submissions from 2 submitters: Uncertain significance (1); Likely benign (1). Last evaluated 2024-10-29.

Allele frequency attached by ClinVar (database versions not stated): gnomAD 0.00003; TOPMed 0.00004; gnomAD exomes 0.00006.

Submissions (2):

Blueprint Genetics
Classification: Likely benign. Last evaluated: 2024-10-29. Review status: criteria provided, single submitter. Criteria: ACMG Guidelines, 2015. Collection method: clinical testing. Allele origin: germline.

Labcorp Genetics (formerly Invitae), Labcorp
Classification: Uncertain significance. Last evaluated: 2024-08-31. Review status: criteria provided, single submitter. Criteria: Invitae Variant Classification Sherloc (09022015). Collection method: clinical testing. Allele origin: germline.
Comment: This sequence change creates a premature translational stop signal (p.Ala949Aspfs*10) in the ARHGEF10 gene. It is expected to result in an absent or disrupted protein product. However, the current clinical and genetic evidence is not sufficient to establish whether loss-of-function variants in ARHGEF10 cause disease. This variant is present in population databases (no rsID available, gnomAD 0.002%). This variant has not been reported in the literature in individuals affected with ARHGEF10-related conditions. ClinVar contains an entry for this variant (Variation ID: 1914337). In summary, the available evidence is currently insufficient to determine the role of this variant in disease. Therefore, it has been classified as a Variant of Uncertain Significance.

NM_014629.4(ARHGEF10):c.2846del (p.Ala949fs)

Gene: ARHGEF10 (Rho guanine nucleotide exchange factor 10; plus strand). Cytogenetic location: 8p23.3.
Variant type: Deletion.
Coding change: c.2846del on transcript NM_014629.4 (MANE Select); coding-DNA position 2846, one base deleted (C; older notation c.2846delC).
Protein change: p.Ala949fs; shifts the reading frame from alanine 949.
Molecular consequence: frameshift variant.
Genome position (GRCh38, 1-based): chr8:1,928,575, C deleted. VCF-style (leftmost placement, unchanged base first): chr8-1928574-GC-G. GRCh37 (hg19) VCF-style: chr8-1876740-GC-G.
Other names: c.2732del, p.Ala911fs (NM_001308152.2); c.2846delC, p.Ala949Aspfs (NM_001308153.3); short protein forms A911fs, A973fs, A949fs.
Identifiers: ClinVar variation 1914337 (VCV001914337.6), dbSNP rs1279066525, ClinGen allele CA579552950.